The following is an entry in ClinVar:

NM_182931.3(KMT2E):c.347C>T (p.Thr116Ile)

Gene: KMT2E (lysine methyltransferase 2E (inactive); plus strand). Cytogenetic location: 7q22.3.
Variant type: single nucleotide variant.
Coding change: c.347C>T on transcript NM_182931.3 (MANE Select); coding-DNA position 347, C replaced by T.
Protein change: p.Thr116Ile; replaces threonine 116 with isoleucine.
Molecular consequence: missense variant.
Genome position (GRCh38, 1-based): chr7:105,063,511, C>T. VCF-style: chr7-105063511-C-T. GRCh37 (hg19) VCF-style: chr7-104703958-C-T.
Other names: c.347C>T, p.Thr116Ile (NM_001410908.1, NM_018682.4); short protein forms T116I.
Identifiers: ClinVar variation 3344269 (VCV003344269.2).

ClinVar aggregate classification (germline): Uncertain significance. Review status: criteria provided, single submitter (1 of 4 stars). 2 submissions from 2 submitters: Uncertain significance (1). 1 of the submissions does not count toward it. Last evaluated 2025-05-10.

Conditions:
KMT2E-related disorder. Also called: KMT2E-related condition.

Submissions (2):

Labcorp Genetics (formerly Invitae), Labcorp
Classification: Uncertain significance. Last evaluated: 2025-05-10. Review status: criteria provided, single submitter. Criteria: Invitae Variant Classification Sherloc (09022015). Collection method: clinical testing. Allele origin: germline.
Comment: This sequence change replaces threonine, which is neutral and polar, with isoleucine, which is neutral and non-polar, at codon 116 of the KMT2E protein (p.Thr116Ile). This variant is not present in population databases (gnomAD no frequency). This variant has not been reported in the literature in individuals affected with KMT2E-related conditions. ClinVar contains an entry for this variant (Variation ID: 3344269). Invitae Evidence Modeling of protein sequence and biophysical properties (such as structural, functional, and spatial information, amino acid conservation, physicochemical variation, residue mobility, and thermodynamic stability) has been performed for this missense variant. However, the output from this modeling did not meet the statistical confidence thresholds required to predict the impact of this variant on KMT2E protein function. In summary, the available evidence is currently insufficient to determine the role of this variant in disease. Therefore, it has been classified as a Variant of Uncertain Significance.

PreventionGenetics, part of Exact Sciences
Classification: Uncertain significance for KMT2E-related condition. Last evaluated: 2024-06-14. Review status: no assertion criteria provided. Collection method: clinical testing. Allele origin: germline. Not counted in ClinVar's aggregate classification.
Comment: The KMT2E c.347C>T variant is predicted to result in the amino acid substitution p.Thr116Ile. To our knowledge, this variant has not been reported in the literature or in a large population database, indicating this variant is rare. At this time, the clinical significance of this variant is uncertain due to the absence of conclusive functional and genetic evidence.